The following is an entry in ClinVar:

ClinVar aggregate classification (germline): Uncertain significance (1 of 4 stars; one submission).

Conditions:
Hereditary cancer-predisposing syndrome. Also called: Hereditary Cancer Syndrome; Tumor predisposition; Hereditary neoplastic syndrome; Neoplastic Syndromes, Hereditary. Identifiers: Orphanet 140162, MedGen C0027672, MeSH D009386, MONDO:0015356.

Allele frequency attached by ClinVar (database versions not stated): gnomAD exomes below 0.00001.
gnomAD v4.1: 1 of 1,611,778 alleles (0.000062%); highest among the groups gnomAD compares: Non-Finnish European, 0.000085%; no homozygotes.

Submission:

Labcorp Genetics (formerly Invitae), Labcorp
Classification: Uncertain significance for Hereditary cancer-predisposing syndrome. Last evaluated: 2022-07-06. Review status: criteria provided, single submitter. Criteria: Invitae Variant Classification Sherloc (09022015). Collection method: clinical testing. Allele origin: germline.
Comment: This variant is not present in population databases (gnomAD no frequency). In summary, the available evidence is currently insufficient to determine the role of this variant in disease. Therefore, it has been classified as a Variant of Uncertain Significance. Algorithms developed to predict the effect of missense changes on protein structure and function output the following: SIFT: "Deleterious"; PolyPhen-2: "Benign"; Align-GVGD: "Class C0". The asparagine amino acid residue is found in multiple mammalian species, which suggests that this missense change does not adversely affect protein function. ClinVar contains an entry for this variant (Variation ID: 1045859). This variant has not been reported in the literature in individuals affected with RAD50-related conditions. This sequence change replaces aspartic acid, which is acidic and polar, with asparagine, which is neutral and polar, at codon 960 of the RAD50 protein (p.Asp960Asn).

NM_005732.4(RAD50):c.2878G>A (p.Asp960Asn)

Gene: RAD50 (RAD50 double strand break repair protein; plus strand). Cytogenetic location: 5q31.1.
Variant type: single nucleotide variant.
Coding change: c.2878G>A on transcript NM_005732.4 (MANE Select); coding-DNA position 2878, G replaced by A.
Protein change: p.Asp960Asn; replaces aspartic acid 960 with asparagine.
Molecular consequence: missense variant.
Genome position (GRCh38, 1-based): chr5:132,609,165, G>A. VCF-style: chr5-132609165-G-A. GRCh37 (hg19) VCF-style: chr5-131944857-G-A.
Other names: short protein forms D960N.
Identifiers: ClinVar variation 1045859 (VCV001045859.9), dbSNP rs1554099366, ClinGen allele CA360959720.
Genomic context (GRCh38, chr5:132,609,165, plus strand): 5'-ATTTTTCTACAGCTGAATGATATTAAAGAGAAGGTTAAAAATATTCATGGCTATATGAAA[G>A]ACATTGAGAATTATATTCAAGATGGGAAAGACGACTATAAGAAGGTAATTTAAAACTTAA-3'
Protein context (NP_005723.2, residues 950-970): KVKNIHGYMK[Asp960Asn]IENYIQDGKD